The following is an entry in ClinVar:

ClinVar aggregate classification (germline): Benign (0 of 4 stars; one submission).

Conditions:
SP8-related disorder. Also called: SP8-related condition.

Allele frequency attached by ClinVar (database versions not stated): gnomAD 0.00561; TOPMed 0.00612; 1000 Genomes Project 30x 0.00656; 1000 Genomes Project 0.00679; ESP Exome Variant Server 0.00777.

Submission:

PreventionGenetics, part of Exact Sciences
Classification: Benign for SP8-related condition. Last evaluated: 2019-08-14. Review status: no assertion criteria provided. Collection method: clinical testing. Allele origin: germline.
Comment: This variant is classified as benign based on ACMG/AMP sequence variant interpretation guidelines (Richards et al. 2015 PMID: 25741868, with internal and published modifications).

NM_182700.6(SP8):c.223T>A (p.Ser75Thr)

Gene: SP8 (Sp8 transcription factor; minus strand). Cytogenetic location: 7p21.1.
Variant type: single nucleotide variant.
Coding change: c.223T>A on transcript NM_182700.6 (MANE Select); coding-DNA position 223, T replaced by A.
Protein change: p.Ser75Thr; replaces serine 75 with threonine.
Molecular consequence: missense variant.
Genome position (GRCh38, 1-based): chr7:20,785,594, A>T on the plus strand (T>A on the coding strand, the complement: SP8 is on the minus strand). VCF-style: chr7-20785594-A-T. GRCh37 (hg19) VCF-style: chr7-20825213-A-T.
Other names: c.169T>A, p.Ser57Thr (NM_198956.4); short protein forms S57T, S75T.
Identifiers: ClinVar variation 3034616 (VCV003034616.2), dbSNP rs147160703, ClinGen allele CA4177981.